The following is an entry in ClinVar:

ClinVar aggregate classification (germline): Uncertain significance (1 of 4 stars; one submission).

Conditions:
Hereditary cancer-predisposing syndrome. Also called: Tumor predisposition; Hereditary neoplastic syndrome; Hereditary Cancer Syndrome; Neoplastic Syndromes, Hereditary. Identifiers: Orphanet 140162, MedGen C0027672, MeSH D009386, MONDO:0015356.

Allele frequency attached by ClinVar (database versions not stated): gnomAD 0.00001.
gnomAD v4.1: 1 of 1,610,466 alleles (0.000062%); highest among the groups gnomAD compares: Non-Finnish European, 0.000085%; no homozygotes.

Submission:

Ambry Genetics
Classification: Uncertain significance for Hereditary cancer-predisposing syndrome. Last evaluated: 2024-01-30. Review status: criteria provided, single submitter. Criteria: Ambry Variant Classification Scheme 2023. Collection method: clinical testing. Allele origin: germline.
Comment: The p.P292L variant (also known as c.875C>T), located in coding exon 6 of the NTHL1 gene, results from a C to T substitution at nucleotide position 875. The proline at codon 292 is replaced by leucine, an amino acid with similar properties. This amino acid position is conserved. In addition, this alteration is predicted to be deleterious by in silico analysis. Based on the available evidence, the clinical significance of this alteration remains unclear.

NM_002528.7(NTHL1):c.851C>T (p.Pro284Leu)

Gene: NTHL1 (nth like DNA glycosylase 1; minus strand). Cytogenetic location: 16p13.3.
Variant type: single nucleotide variant.
Coding change: c.851C>T on transcript NM_002528.7 (MANE Select); coding-DNA position 851, C replaced by T.
Protein change: p.Pro284Leu; replaces proline 284 with leucine.
Molecular consequence: missense variant.
Genome position (GRCh38, 1-based): chr16:2,039,988, G>A on the plus strand (C>T on the coding strand, the complement: NTHL1 is on the minus strand). VCF-style: chr16-2039988-G-A. GRCh37 (hg19) VCF-style: chr16-2089989-G-A.
Other names: c.680C>T, p.Pro227Leu (NM_001318193.2); c.521C>T, p.Pro174Leu (NM_001318194.2); short protein forms P174L, P227L, P284L.
Identifiers: ClinVar variation 3222684 (VCV003222684.1), dbSNP rs1396773363, ClinGen allele CA394287222.